The following is an entry in ClinVar:

NM_000093.5(COL5A1):c.996C>T (p.Asp332=)

Gene: COL5A1 (collagen type V alpha 1 chain; plus strand). Cytogenetic location: 9q34.3.
Variant type: single nucleotide variant.
Coding change: c.996C>T on transcript NM_000093.5 (MANE Select); coding-DNA position 996, C replaced by T.
Protein change: p.Asp332=; no amino-acid change (aspartic acid 332 retained).
Molecular consequence: synonymous variant.
Genome position (GRCh38, 1-based): chr9:134,730,307, C>T. VCF-style: chr9-134730307-C-T. GRCh37 (hg19) VCF-style: chr9-137622153-C-T.
Other names: p.D332D:GAC>GAT; c.996C>T, p.Asp332= (NM_001278074.1).
Identifiers: ClinVar variation 212924 (VCV000212924.62), dbSNP rs144763302, ClinGen allele CA321695.

ClinVar aggregate classification (germline): Benign/Likely benign. Review status: criteria provided, multiple submitters, no conflicts (2 of 4 stars). 12 submissions from 11 submitters: Benign (6); Likely benign (6). Last evaluated 2026-01-13.

Conditions:
Ehlers-Danlos syndrome, classic type, 1 (EDSCL1). Also called: EHLERS-DANLOS SYNDROME, GRAVIS TYPE; EHLERS-DANLOS SYNDROME, SEVERE CLASSIC TYPE; Ehlers-Danlos syndrome, type 1; Ehlers-Danlos Syndrome, Classic Type, COL5A1-Related; EDS I. Identifiers: MedGen C0268335, MONDO:0019567, OMIM 130000.
Familial thoracic aortic aneurysm and aortic dissection (TAAD). Also called: Thoracic aortic aneurysms and dissections. Identifiers: Orphanet 91387, MedGen C4707243, MONDO:0019625.
Fibromuscular dysplasia, multifocal. Identifiers: MedGen C5543412, MONDO:0859151, OMIM 619329.
Connective tissue disorder. Also called: Connective tissue disease. Identifiers: MedGen C0009782, MONDO:0003900.
Ehlers-Danlos syndrome, classic type (cEDS). Identifiers: Orphanet 287, MedGen C4225429, MONDO:0007522.

Allele frequency attached by ClinVar (database versions not stated): gnomAD exomes 0.00011 and 0.00023; ExAC 0.00022; ESP Exome Variant Server 0.00023; gnomAD 0.00058; TOPMed 0.00062; 1000 Genomes Project 30x 0.00094; 1000 Genomes Project 0.00120.
gnomAD v4.1: 285 of 1,614,236 alleles (0.018%); highest among the groups gnomAD compares: African/African-American, 0.12%; no homozygotes.

Submissions (12):

Labcorp Genetics (formerly Invitae), Labcorp
Classification: Benign for Ehlers-Danlos syndrome, classic type, 1. Last evaluated: 2026-01-13. Review status: criteria provided, single submitter. Criteria: Invitae Variant Classification Sherloc (09022015). Collection method: clinical testing. Allele origin: germline.

ARUP Laboratories, Molecular Genetics and Genomics, ARUP Laboratories
Classification: Likely benign. Last evaluated: 2025-02-07. Review status: criteria provided, single submitter. Criteria: ARUP Molecular Germline Variant Investigation Process 2024. Collection method: clinical testing. Allele origin: germline.

Blueprint Genetics
Classification: Likely benign. Last evaluated: 2024-11-13. Review status: criteria provided, single submitter. Criteria: ACMG Guidelines, 2015. Collection method: clinical testing. Allele origin: germline.

Women's Health and Genetics/Laboratory Corporation of America, LabCorp
Classification: Benign. Last evaluated: 2023-08-10. Review status: criteria provided, single submitter. Criteria: LabCorp Variant Classification Summary - May 2015. Collection method: clinical testing. Allele origin: germline.

CeGaT Center for Human Genetics Tuebingen
Classification: Benign. Last evaluated: 2022-05-01. Review status: criteria provided, single submitter. Criteria: CeGaT Center For Human Genetics Tuebingen Variant Classification Criteria Version 2. Collection method: clinical testing. Allele origin: germline. Affected: yes. Observed: 1 variant allele.
Comment: COL5A1: BS1, BS2

Genome-Nilou Lab
Classification: Benign for Ehlers-Danlos syndrome, classic type, 1. Last evaluated: 2022-03-15. Review status: criteria provided, single submitter. Criteria: ACMG Guidelines, 2015. Collection method: clinical testing. Allele origin: germline. Affected: no.

Genome-Nilou Lab
Classification: Benign for Fibromuscular dysplasia, multifocal. Last evaluated: 2022-03-15. Review status: criteria provided, single submitter. Criteria: ACMG Guidelines, 2015. Collection method: clinical testing. Allele origin: germline. Affected: no.

Center for Human Genetics, Inc
Classification: Likely benign for Connective tissue disorder. Last evaluated: 2018-06-01. Review status: criteria provided, single submitter. Criteria: ACMG Guidelines, 2015. Collection method: clinical testing. Allele origin: germline. Affected: yes.

Illumina Laboratory Services, Illumina
Classification: Likely benign for Ehlers-Danlos syndrome, classic type, 1. Last evaluated: 2018-01-13. Review status: criteria provided, single submitter. Criteria: ICSL Variant Classification Criteria 13 December 2019. Collection method: clinical testing. Allele origin: germline.
Comment: This variant was observed in the ICSL laboratory as part of a predisposition screen in an ostensibly healthy population. It had not been previously curated by ICSL or reported in the Human Gene Mutation Database (HGMD: prior to June 1st, 2018), and was therefore a candidate for classification through an automated scoring system. Utilizing variant allele frequency, disease prevalence and penetrance estimates, and inheritance mode, an automated score was calculated to assess if this variant is too frequent to cause the disease. Based on the score and internal cut-off values, a variant classified as likely benign is not then subjected to further curation. The score for this variant resulted in a classification of likely benign for this disease.

Eurofins Ntd Llc (ga)
Classification: Likely benign. Last evaluated: 2017-04-05. Review status: criteria provided, single submitter. Criteria: EGL Classification Definitions 2015. Collection method: clinical testing. Allele origin: germline. Observed: 1 variant allele, 1 heterozygote.

Ambry Genetics
Classification: Likely benign for Familial thoracic aortic aneurysm and aortic dissection. Last evaluated: 2015-06-22. Review status: criteria provided, single submitter. Criteria: Ambry Variant Classification Scheme 2023. Collection method: clinical testing. Allele origin: germline.

GeneDx
Classification: Benign. Last evaluated: 2014-09-17. Review status: criteria provided, single submitter. Criteria: GeneDx Variant Classification (06012015). Collection method: clinical testing. Allele origin: germline. Affected: yes.
Comment: This variant is considered likely benign or benign based on one or more of the following criteria: it is a conservative change, it occurs at a poorly conserved position in the protein, it is predicted to be benign by multiple in silico algorithms, and/or has population frequency not consistent with disease.